The following is an entry in ClinVar:

ClinVar aggregate classification (germline): Uncertain significance (1 of 4 stars; one submission).

Conditions:
Cardiovascular phenotype. Identifiers: MedGen CN230736.

Submission:

Ambry Genetics
Classification: Uncertain significance for Cardiovascular phenotype. Last evaluated: 2025-07-06. Review status: criteria provided, single submitter. Criteria: Ambry Variant Classification Scheme 2023. Collection method: clinical testing. Allele origin: germline.
Comment: The p.I501V variant (also known as c.1501A>G), located in coding exon 10 of the SOS1 gene, results from an A to G substitution at nucleotide position 1501. The isoleucine at codon 501 is replaced by valine, an amino acid with highly similar properties. This amino acid position is conserved. In addition, the in silico prediction for this alteration is inconclusive. Based on the available evidence, the clinical significance of this variant remains unclear.

NM_005633.4(SOS1):c.1501A>G (p.Ile501Val)

Gene: SOS1 (SOS Ras/Rac guanine nucleotide exchange factor 1; minus strand). Cytogenetic location: 2p22.1.
Variant type: single nucleotide variant.
Coding change: c.1501A>G on transcript NM_005633.4 (MANE Select); coding-DNA position 1501, A replaced by G.
Protein change: p.Ile501Val; replaces isoleucine 501 with valine.
Molecular consequence: missense variant.
Genome position (GRCh38, 1-based): chr2:39,022,927, T>C on the plus strand (A>G on the coding strand, the complement: SOS1 is on the minus strand). VCF-style: chr2-39022927-T-C. GRCh37 (hg19) VCF-style: chr2-39250068-T-C.
Other names: c.1480A>G, p.Ile494Val (NM_001382394.1); c.1501A>G, p.Ile501Val (NM_001382395.1); short protein forms I494V, I501V.
Identifiers: ClinVar variation 4171988 (VCV004171988.1).